The following is an entry in ClinVar:

NM_130384.3(ATRIP):c.1883A>T (p.Glu628Val)

Genes: ATRIP (ATR interacting protein; plus strand), ATRIP-TREX1 (ATRIP-TREX1 readthrough; plus strand). Cytogenetic location: 3p21.31.
Variant type: single nucleotide variant.
Coding change: c.1883A>T on transcript NM_130384.3 (MANE Select); coding-DNA position 1883, A replaced by T.
Protein change: p.Glu628Val; replaces glutamic acid 628 with valine.
Molecular consequence: missense variant. On other transcripts: non-coding transcript variant (1).
Genome position (GRCh38, 1-based): chr3:48,464,041, A>T. VCF-style: chr3-48464041-A-T. GRCh37 (hg19) VCF-style: chr3-48505440-A-T.
Other names: c.1502A>T, p.Glu501Val (NM_001271022.2); c.1604A>T, p.Glu535Val (NM_001271023.2); c.1883A>T, p.Glu628Val (NM_032166.4); short protein forms E628V, E535V, E501V.
Identifiers: ClinVar variation 3465195 (VCV003465195.1).

ClinVar aggregate classification (germline): Uncertain significance (1 of 4 stars; one submission).

Submission:

Ambry Genetics
Classification: Uncertain significance. Last evaluated: 2024-12-08. Review status: criteria provided, single submitter. Criteria: Ambry Variant Classification Scheme 2023. Collection method: clinical testing. Allele origin: germline.
Comment: The p.E628V variant (also known as c.1883A>T) is located in coding exon 10 of the ATRIP gene. The glutamic acid at codon 628 is replaced by valine, an amino acid with dissimilar properties. This change occurs in the first base pair of coding exon 10. This amino acid position is conserved. In addition, the in silico prediction for this alteration is inconclusive. Based on the available evidence, the clinical significance of this variant remains unclear.